The following is an entry in ClinVar:

ClinVar aggregate classification (germline): Likely pathogenic (1 of 4 stars; one submission).

Conditions:
Oculocutaneous albinism type 1A (OCA1A). Also called: Albinism, oculocutaneous, type IA. Identifiers: Orphanet 352731, Orphanet 79431, MedGen C4551504, MONDO:0008745, OMIM 203100. Disease mechanism: loss of function.

Submission:

Human Genetics Section, Sidra Medicine
Classification: Likely pathogenic for Oculocutaneous albinism type 1A. Last evaluated: 2024-02-28. Review status: criteria provided, single submitter. Criteria: ACMG Guidelines, 2015. Collection method: research. Allele origin: germline. Affected: yes. Observed: 2 variant alleles.
Comment: This variant is not present in population databases (gnomAD no frequency). The variant is located in a mutational hot spot. Missense variant is a common mechanism of disease with low rate of benign missense mutations. We therefore classify this variant as likely pathogenic

NM_000372.5(TYR):c.240G>C (p.Trp80Cys)

Gene: TYR (tyrosinase; plus strand). Cytogenetic location: 11q14.3.
Variant type: single nucleotide variant.
Coding change: c.240G>C on transcript NM_000372.5 (MANE Select); coding-DNA position 240, G replaced by C.
Protein change: p.Trp80Cys; replaces tryptophan 80 with cysteine.
Molecular consequence: missense variant.
Genome position (GRCh38, 1-based): chr11:89,178,193, G>C. VCF-style: chr11-89178193-G-C. GRCh37 (hg19) VCF-style: chr11-88911361-G-C.
Other names: short protein forms W80C.
Identifiers: ClinVar variation 3028902 (VCV003028902.2), dbSNP rs61753189, ClinGen allele CA382033878.